The following is an entry in ClinVar:

NM_006486.3(FBLN1):c.1490G>A (p.Arg497His)

Gene: FBLN1 (fibulin 1; plus strand). Cytogenetic location: 22q13.31.
Variant type: single nucleotide variant.
Coding change: c.1490G>A on transcript NM_006486.3 (MANE Select); coding-DNA position 1490, G replaced by A.
Protein change: p.Arg497His; replaces arginine 497 with histidine.
Molecular consequence: missense variant.
Genome position (GRCh38, 1-based): chr22:45,548,661, G>A. VCF-style: chr22-45548661-G-A. GRCh37 (hg19) VCF-style: chr22-45944541-G-A.
Other names: c.1490G>A, p.Arg497His (NM_001996.4, NM_006485.4, NM_006487.3); c.1490G>A (NM_006486.2); short protein forms R497H.
Identifiers: ClinVar variation 1449967 (VCV001449967.10), dbSNP rs148852554, ClinGen allele CA10286986.

ClinVar aggregate classification (germline): Uncertain significance. Review status: criteria provided, multiple submitters, no conflicts (2 of 4 stars). 2 submissions from 2 submitters: Uncertain significance (2). Last evaluated 2025-05-14.

Allele frequency attached by ClinVar (database versions not stated): gnomAD 0.00009; gnomAD exomes 0.00011 and 0.00012; ExAC 0.00012; ESP Exome Variant Server 0.00015; 1000 Genomes Project 0.00020; 1000 Genomes Project 30x 0.00031.
gnomAD v4.1: 187 of 1,613,840 alleles (0.012%); highest among the groups gnomAD compares: East Asian, 0.016%; no homozygotes.

Submissions (2):

Ambry Genetics
Classification: Uncertain significance. Last evaluated: 2025-05-14. Review status: criteria provided, single submitter. Criteria: Ambry Variant Classification Scheme 2023. Collection method: clinical testing. Allele origin: germline.

Labcorp Genetics (formerly Invitae), Labcorp
Classification: Uncertain significance. Last evaluated: 2022-08-16. Review status: criteria provided, single submitter. Criteria: Invitae Variant Classification Sherloc (09022015). Collection method: clinical testing. Allele origin: germline.
Comment: In summary, the available evidence is currently insufficient to determine the role of this variant in disease. Therefore, it has been classified as a Variant of Uncertain Significance. Algorithms developed to predict the effect of missense changes on protein structure and function are either unavailable or do not agree on the potential impact of this missense change (SIFT: "Deleterious"; PolyPhen-2: "Probably Damaging"; Align-GVGD: "Class C0"). ClinVar contains an entry for this variant (Variation ID: 1449967). This variant has not been reported in the literature in individuals affected with FBLN1-related conditions. This variant is present in population databases (rs148852554, gnomAD 0.04%). This sequence change replaces arginine, which is basic and polar, with histidine, which is basic and polar, at codon 497 of the FBLN1 protein (p.Arg497His).